The following is an entry in ClinVar:

ClinVar aggregate classification (germline): Conflicting classifications of pathogenicity. Review status: criteria provided, conflicting classifications (1 of 4 stars). 4 submissions from 4 submitters: Uncertain significance (1); Likely benign (2). 1 of the submissions does not count toward it. Last evaluated 2026-07-01.

Conditions:
Autosomal recessive limb-girdle muscular dystrophy type 2B (LGMDR2). Also called: Limb-girdle muscular dystrophy, type 2B; MUSCULAR DYSTROPHY, LIMB-GIRDLE, AUTOSOMAL RECESSIVE 2; MUSCULAR DYSTROPHY, LIMB-GIRDLE, TYPE 3; Limb-Girdle Muscular Dystrophy Type 2B (LGMD2B). Identifiers: Orphanet 268, MedGen C1850889, MONDO:0009676, OMIM 253601.
Neuromuscular disease caused by qualitative or quantitative defects of dysferlin. Also called: Dysferlinopathy; Qualitative or quantitative defects of dysferlin. Identifiers: Orphanet 207073, MedGen C2931687, MONDO:0016145.

Allele frequency attached by ClinVar (database versions not stated): gnomAD 0.00003 and 0.00004; gnomAD exomes 0.00003 and 0.00004; TOPMed 0.00003; ExAC 0.00004.
gnomAD v4.1: 49 of 1,613,890 alleles (0.003%); highest among the groups gnomAD compares: East Asian, 0.047%; no homozygotes.

Submissions (4):

CeGaT Center for Human Genetics Tuebingen
Classification: Likely benign. Last evaluated: 2026-07-01. Review status: criteria provided, single submitter. Criteria: CeGaT Center For Human Genetics Tuebingen Variant Classification Criteria Version 2. Collection method: clinical testing. Allele origin: germline. Affected: yes. Observed: 1 variant allele.
Comment: DYSF: BP4, BP7

Labcorp Genetics (formerly Invitae), Labcorp
Classification: Uncertain significance for Neuromuscular disease caused by qualitative or quantitative defects of dysferlin. Last evaluated: 2026-01-19. Review status: criteria provided, single submitter. Criteria: Invitae Variant Classification Sherloc (09022015). Collection method: clinical testing. Allele origin: germline.
Comment: This sequence change affects codon 643 of the DYSF mRNA. It is a 'silent' change, meaning that it does not change the encoded amino acid sequence of the DYSF protein. It affects a nucleotide within the consensus splice site. This variant is present in population databases (rs574076669, gnomAD 0.02%). This variant has been observed in individual(s) with limb-girdle muscle weakness (PMID: 39678382). ClinVar contains an entry for this variant (Variation ID: 966403). Algorithms developed to predict the effect of sequence changes on RNA splicing suggest that this variant is not likely to affect RNA splicing. In summary, the available evidence is currently insufficient to determine the role of this variant in disease. Therefore, it has been classified as a Variant of Uncertain Significance.

Blueprint Genetics
Classification: Likely benign. Last evaluated: 2023-10-24. Review status: criteria provided, single submitter. Criteria: ACMG Guidelines, 2015. Collection method: clinical testing. Allele origin: germline.

Natera, Inc.
Classification: Uncertain significance for Limb-girdle muscular dystrophy type 2B. Last evaluated: 2020-03-20. Review status: no assertion criteria provided. Collection method: clinical testing. Allele origin: germline. Not counted in ClinVar's aggregate classification.

Literature cited by the submitters: PubMed 39678382 (cited by Labcorp Genetics (formerly Invitae), Labcorp).

NM_001130987.2(DYSF):c.1983C>T (p.Asp661=)

Gene: DYSF (dysferlin; plus strand). Cytogenetic location: 2p13.2.
Variant type: single nucleotide variant.
Coding change: c.1983C>T on transcript NM_001130987.2 (MANE Select); coding-DNA position 1983, C replaced by T.
Protein change: p.Asp661=; no amino-acid change (aspartic acid 661 retained).
Molecular consequence: synonymous variant.
Genome position (GRCh38, 1-based): chr2:71,553,187, C>T. VCF-style: chr2-71553187-C-T. GRCh37 (hg19) VCF-style: chr2-71780317-C-T.
Other names: c.1932C>T, p.Asp644= (NM_001130455.2, NM_001130983.2); c.1887C>T, p.Asp629= (NM_001130976.2, NM_001130977.2); c.1929C>T, p.Asp643= (NM_001130978.2, NM_003494.4); c.2022C>T, p.Asp674= (NM_001130979.2); c.1980C>T, p.Asp660= (NM_001130980.2, NM_001130981.2); c.2025C>T, p.Asp675= (NM_001130982.2); c.1890C>T, p.Asp630= (NM_001130984.2, NM_001130986.2); c.1983C>T, p.Asp661= (NM_001130985.2).
Identifiers: ClinVar variation 966403 (VCV000966403.11), dbSNP rs574076669, ClinGen allele CA1705994.